The following is an entry in ClinVar:

ClinVar aggregate classification (germline): Uncertain significance (1 of 4 stars; one submission).

Allele frequency attached by ClinVar (database versions not stated): TOPMed 0.00002.
gnomAD v4.1: 1 of 1,613,910 alleles (0.000062%); highest among the groups gnomAD compares: African/African-American, 0.0013%; no homozygotes.

Submission:

Labcorp Genetics (formerly Invitae), Labcorp
Classification: Uncertain significance. Last evaluated: 2022-08-07. Review status: criteria provided, single submitter. Criteria: Invitae Variant Classification Sherloc (09022015). Collection method: clinical testing. Allele origin: germline.
Comment: In summary, the available evidence is currently insufficient to determine the role of this variant in disease. Therefore, it has been classified as a Variant of Uncertain Significance. Algorithms developed to predict the effect of missense changes on protein structure and function output the following: SIFT: "Tolerated"; PolyPhen-2: "Not Available"; Align-GVGD: "Class C0". The isoleucine amino acid residue is found in multiple mammalian species, which suggests that this missense change does not adversely affect protein function. This variant has not been reported in the literature in individuals affected with PCLO-related conditions. This variant is not present in population databases (gnomAD no frequency). This sequence change replaces methionine, which is neutral and non-polar, with isoleucine, which is neutral and non-polar, at codon 2096 of the PCLO protein (p.Met2096Ile).

NM_033026.6(PCLO):c.6288G>A (p.Met2096Ile)

Gene: PCLO (piccolo presynaptic cytomatrix protein; minus strand). Cytogenetic location: 7q21.11.
Variant type: single nucleotide variant.
Coding change: c.6288G>A on transcript NM_033026.6 (MANE Select); coding-DNA position 6288, G replaced by A.
Protein change: p.Met2096Ile; replaces methionine 2096 with isoleucine.
Molecular consequence: missense variant.
Genome position (GRCh38, 1-based): chr7:82,954,665, C>T on the plus strand (G>A on the coding strand, the complement: PCLO is on the minus strand). VCF-style: chr7-82954665-C-T. GRCh37 (hg19) VCF-style: chr7-82583981-C-T.
Other names: c.6288G>A, p.Met2096Ile (NM_014510.3); short protein forms M2096I.
Identifiers: ClinVar variation 1963402 (VCV001963402.3), dbSNP rs1795462138, ClinGen allele CA367919980.
Genomic context (GRCh38, chr7:82,954,665, plus strand): 5'-AAGAGACGCTCCTGAGAGAACACTTGATGTCAAAGAGGCATCTGGCATTCTGTCAAAGTC[C>T]ATGGTGGACTCTGTCATATCCTCACCAATGGGGGCCTGGGTTGGGCTAGATCCAGGTGTT-3'
Protein context (NP_149015.2, residues 2086-2106): PIGEDMTEST[Met2096Ile]DFDRMPDASL